The following is an entry in ClinVar:

ClinVar aggregate classification (germline): Uncertain significance (1 of 4 stars; one submission).

Submission:

GeneDx
Classification: Uncertain significance. Last evaluated: 2022-02-25. Review status: criteria provided, single submitter. Criteria: GeneDx Variant Classification Process June 2021. Collection method: clinical testing. Allele origin: germline. Affected: yes.
Comment: Has not been previously published as pathogenic or benign to our knowledge; Not observed at significant frequency in large population cohorts (gnomAD); In silico analysis supports that this missense variant does not alter protein structure/function

NM_001134407.3(GRIN2A):c.2554G>C (p.Val852Leu)

Gene: GRIN2A (glutamate ionotropic receptor NMDA type subunit 2A; minus strand). Cytogenetic location: 16p13.2.
Variant type: single nucleotide variant.
Coding change: c.2554G>C on transcript NM_001134407.3 (MANE Select); coding-DNA position 2554, G replaced by C.
Protein change: p.Val852Leu; replaces valine 852 with leucine.
Molecular consequence: missense variant.
Genome position (GRCh38, 1-based): chr16:9,768,892, C>G on the plus strand (G>C on the coding strand, the complement: GRIN2A is on the minus strand). VCF-style: chr16-9768892-C-G. GRCh37 (hg19) VCF-style: chr16-9862749-C-G.
Other names: c.2554G>C, p.Val852Leu (NM_000833.5, NM_001134408.2); short protein forms V852L.
Identifiers: ClinVar variation 1703374 (VCV001703374.2), dbSNP rs150316865, ClinGen allele CA394709880.